The following is an entry in ClinVar:

NM_000135.4(FANCA):c.4261-11_4261-9del

Genes: FANCA (FA complementation group A; minus strand), ZNF276 (zinc finger protein 276; plus strand). Cytogenetic location: 16q24.3.
Variant type: Microsatellite.
Coding change: c.4261-11_4261-9del on transcript NM_000135.4 (MANE Select); 11 bases into the intron before coding-DNA position 4261 through 9 bases into the intron before coding-DNA position 4261, 3 bases deleted (CTC; older notation c.4261-11_4261-9delCTC).
Molecular consequence: intron variant. On other transcripts: 3 prime UTR variant (2), non-coding transcript variant (4).
Genome position (GRCh38, 1-based): chr16:89,738,717-89,738,719, GAG deleted on the plus strand (CTC on the coding strand, the reverse complement: FANCA is on the minus strand); deleting any 3 consecutive bases within chr16:89,738,717-89,738,722 gives the same sequence; the c. name uses the placement nearest the transcript's 3' end. VCF-style (leftmost placement, unchanged base first): chr16-89738716-AGAG-A. GRCh37 (hg19) VCF-style: chr16-89805124-AGAG-A.
Other names: c.*471GAG[1] (NM_001113525.2, NM_152287.4); c.4265-11_4265-9del (NM_001286167.3).
Identifiers: ClinVar variation 1504805 (VCV001504805.8), dbSNP rs2151710048, ClinGen allele CA2580613940.

ClinVar aggregate classification (germline): Uncertain significance (1 of 4 stars; one submission).

Conditions:
Fanconi anemia (FA). Also called: Fanconi's anemia. Identifiers: Orphanet 84, MedGen C0015625, MeSH D005199, MONDO:0019391.

Submission:

Labcorp Genetics (formerly Invitae), Labcorp
Classification: Uncertain significance for Fanconi anemia. Last evaluated: 2020-12-02. Review status: criteria provided, single submitter. Criteria: Invitae Variant Classification Sherloc (09022015). Collection method: clinical testing. Allele origin: germline.
Comment: This variant has not been reported in the literature in individuals with FANCA-related conditions. In summary, the available evidence is currently insufficient to determine the role of this variant in disease. Therefore, it has been classified as a Variant of Uncertain Significance. Algorithms developed to predict the effect of sequence changes on RNA splicing suggest that this variant may disrupt the consensus splice site, but this prediction has not been confirmed by published transcriptional studies. This variant is not present in population databases (ExAC no frequency). This sequence change falls in intron 42 of the FANCA gene. It does not directly change the encoded amino acid sequence of the FANCA protein.